The following is an entry in ClinVar:

ClinVar aggregate classification (germline): Pathogenic. Review status: criteria provided, multiple submitters, no conflicts (2 of 4 stars). 2 submissions from 2 submitters: Pathogenic (2). Last evaluated 2025-03-28.

Conditions:
Heterotopia, periventricular, X-linked dominant (PVNH1). Also called: PERIVENTRICULAR NODULAR HETEROTOPIA 4; HETEROTOPIA, PERIVENTRICULAR, 1; PERIVENTRICULAR NODULAR HETEROTOPIA 1; X-linked periventricular heterotopia. Identifiers: Orphanet 2149, Orphanet 82004, MedGen C1848213, MONDO:0010233, OMIM 300049.
Familial thoracic aortic aneurysm and aortic dissection (TAAD). Also called: Thoracic aortic aneurysms and dissections. Identifiers: Orphanet 91387, MedGen C4707243, MONDO:0019625.

Submissions (2):

Ambry Genetics
Classification: Pathogenic for Familial thoracic aortic aneurysm and aortic dissection. Last evaluated: 2025-03-28. Review status: criteria provided, single submitter. Criteria: Ambry Variant Classification Scheme 2023. Collection method: clinical testing. Allele origin: germline.
Comment: The c.2527dupG variant, located in coding exon 16 of the FLNA gene, results from a duplication of G at nucleotide position 2527, causing a translational frameshift with a predicted alternate stop codon (p.A843Gfs*12). This variant was reported in as occurring de novo in a proband with pulmonary hypoplasia, diaphragmatic eventration, and heart defect (Hao C et al. Hum Mutat, 2021 Jul;42:891-900). This variant is considered to be rare based on population cohorts in the Genome Aggregation Database (gnomAD). This alteration is expected to result in loss of function by premature protein truncation or nonsense-mediated mRNA decay. Loss of function alterations in FLNA have been associated with periventricular nodular heterotopia. However, haploinsufficiency for FLNA has not been established as a mechanism of disease for FLNA-related cardiac valvular dysplasia, and gain of function is the mechanism of disease for FLNA-related otopalatodigital syndrome spectrum disorders. Based on the supporting evidence, this variant is expected to be causative of FLNA-related periventricular nodular heterotopia; however, its clinical significance for FLNA-related cardiac valvular dysplasia is uncertain, and it is unlikely to be causative of FLNA-related otopalatodigital syndrome spectrum disorders.

Beijing Key Laboratry for Genetics of Birth Defects, Beijing Children's Hospital
Classification: Pathogenic for Heterotopia, periventricular, X-linked dominant. Last evaluated: 2020-12-20. Review status: criteria provided, single submitter. Criteria: ACMG Guidelines, 2015. Collection method: clinical testing. Allele origin: de novo. Affected: yes. Observed: 1 variant allele.

Literature cited by the submitters: PubMed 33942430 (cited by Ambry Genetics).

NM_001110556.2(FLNA):c.2527dup (p.Ala843fs)

Gene: FLNA (filamin A; minus strand). Cytogenetic location: Xq28.
Variant type: Duplication.
Coding change: c.2527dup on transcript NM_001110556.2 (MANE Select); coding-DNA position 2527, one base duplicated (G; older notation c.2527dupG).
Protein change: p.Ala843fs; shifts the reading frame from alanine 843.
Molecular consequence: frameshift variant.
Genome position (GRCh38, 1-based): chrX:154,362,456, C duplicated on the plus strand (G on the coding strand, the reverse complement: FLNA is on the minus strand); the first of 6 consecutive C bases (chrX:154,362,456-154,362,461); duplicating any one gives the same sequence. VCF-style (leftmost placement, unchanged base first): chrX-154362455-G-GC. GRCh37 (hg19) VCF-style: chrX-153590823-G-GC.
Other names: c.2527dup, p.Ala843fs (NM_001456.4); c.2527dupG (NM_001456.3); short protein forms A843fs.
Identifiers: ClinVar variation 1012298 (VCV001012298.3), dbSNP rs782312089, ClinGen allele CA10560903.
Genomic context (GRCh38, chrX:154,362,455, plus strand): 5'-GCGGCCAGGAGCGCAGCACCCACCTGGTCAGCAAAGAGGACCATAATGGTGTAGCTGCCA[G>GC]CCCCCCGGGGCGTGTACTTGACCGTGAAGGTGTCATTGTCATTGCGGATGATGTCGAAGT-3'